The following is an entry in ClinVar:

ClinVar aggregate classification (germline): Likely benign (0 of 4 stars; one submission).

Conditions:
SF3B4-related disorder. Also called: SF3B4-related condition.

Submission:

PreventionGenetics, part of Exact Sciences
Classification: Likely benign for SF3B4-related condition. Last evaluated: 2020-10-15. Review status: no assertion criteria provided. Collection method: clinical testing. Allele origin: germline.
Comment: This variant is classified as likely benign based on ACMG/AMP sequence variant interpretation guidelines (Richards et al. 2015 PMID: 25741868, with internal and published modifications).

NM_005850.5(SF3B4):c.975A>G (p.Gly325=)

Gene: SF3B4 (splicing factor 3b subunit 4; minus strand). Cytogenetic location: 1q21.2.
Variant type: single nucleotide variant.
Coding change: c.975A>G on transcript NM_005850.5 (MANE Select); coding-DNA position 975, A replaced by G.
Protein change: p.Gly325=; no amino-acid change (glycine 325 retained).
Molecular consequence: synonymous variant.
Genome position (GRCh38, 1-based): chr1:149,923,953, T>C on the plus strand (A>G on the coding strand, the complement: SF3B4 is on the minus strand). VCF-style: chr1-149923953-T-C. GRCh37 (hg19) VCF-style: chr1-149895845-T-C.
Identifiers: ClinVar variation 3053911 (VCV003053911.2), dbSNP rs1553765678, ClinGen allele CA420671282.